The following is an entry in ClinVar:

NM_018699.4(PRDM5):c.1311C>A (p.Cys437Ter)

Gene: PRDM5 (PR/SET domain 5; minus strand). Cytogenetic location: 4q27.
Variant type: single nucleotide variant.
Coding change: c.1311C>A on transcript NM_018699.4 (MANE Select); coding-DNA position 1311, C replaced by A.
Protein change: p.Cys437Ter; replaces cysteine 437 with a stop codon.
Molecular consequence: nonsense.
Genome position (GRCh38, 1-based): chr4:120,781,275, G>T on the plus strand (C>A on the coding strand, the complement: PRDM5 is on the minus strand). VCF-style: chr4-120781275-G-T. GRCh37 (hg19) VCF-style: chr4-121702430-G-T.
Other names: c.1218C>A, p.Cys406Ter (NM_001300823.2, NM_001300824.2, NM_001379106.1); c.1344C>A, p.Cys448Ter (NM_001379104.1); short protein forms C406*, C437*, C448*.
Identifiers: ClinVar variation 5027263 (VCV005027263.1).

ClinVar aggregate classification (germline): Pathogenic (1 of 4 stars; one submission).

Conditions:
Cardiovascular phenotype. Identifiers: MedGen CN230736.

Submission:

Ambry Genetics
Classification: Pathogenic for Cardiovascular phenotype. Last evaluated: 2026-08-05. Review status: criteria provided, single submitter. Criteria: Ambry Variant Classification Scheme 2023. Collection method: clinical testing. Allele origin: germline.
Comment: The p.C437* pathogenic mutation (also known as c.1311C>A), located in coding exon 12 of the PRDM5 gene, results from a C to A substitution at nucleotide position 1311. This changes the amino acid from a cysteine to a stop codon within coding exon 12. This variant is considered to be rare based on population cohorts in the Genome Aggregation Database (gnomAD). This alteration is expected to result in loss of function by premature protein truncation or nonsense-mediated mRNA decay. As such, this alteration is interpreted as a disease-causing mutation.